The following is an entry in ClinVar:

NM_002637.4(PHKA1):c.484G>A (p.Val162Ile)

Gene: PHKA1 (phosphorylase kinase regulatory subunit alpha 1; minus strand). Cytogenetic location: Xq13.1.
Variant type: single nucleotide variant.
Coding change: c.484G>A on transcript NM_002637.4 (MANE Select); coding-DNA position 484, G replaced by A.
Protein change: p.Val162Ile; replaces valine 162 with isoleucine.
Molecular consequence: missense variant.
Genome position (GRCh38, 1-based): chrX:72,684,551, C>T on the plus strand (G>A on the coding strand, the complement: PHKA1 is on the minus strand). VCF-style: chrX-72684551-C-T. GRCh37 (hg19) VCF-style: chrX-71904401-C-T.
Other names: c.484G>A, p.Val162Ile (NM_001122670.2, NM_001172436.2); short protein forms V162I.
Identifiers: ClinVar variation 2132917 (VCV002132917.4), dbSNP rs2522760023, ClinGen allele CA413638723.

ClinVar aggregate classification (germline): Uncertain significance (1 of 4 stars; one submission).

Conditions:
Glycogen storage disease IXd (GSD9D). Also called: Muscle Phosphorylase Kinase Deficiency; GSD IXd. Identifiers: Orphanet 715, MedGen C1845151, MONDO:0010362, OMIM 300559.

Submission:

Labcorp Genetics (formerly Invitae), Labcorp
Classification: Uncertain significance for Glycogen storage disease IXd. Last evaluated: 2022-05-04. Review status: criteria provided, single submitter. Criteria: Invitae Variant Classification Sherloc (09022015). Collection method: clinical testing. Allele origin: germline.
Comment: This sequence change replaces valine, which is neutral and non-polar, with isoleucine, which is neutral and non-polar, at codon 162 of the PHKA1 protein (p.Val162Ile). In summary, the available evidence is currently insufficient to determine the role of this variant in disease. Therefore, it has been classified as a Variant of Uncertain Significance. Algorithms developed to predict the effect of missense changes on protein structure and function are either unavailable or do not agree on the potential impact of this missense change (SIFT: "Deleterious"; PolyPhen-2: "Possibly Damaging"; Align-GVGD: "Class C0"). This variant has not been reported in the literature in individuals affected with PHKA1-related conditions. This variant is not present in population databases (gnomAD no frequency).